The following is an entry in ClinVar:

ClinVar aggregate classification (germline): Uncertain significance. Review status: criteria provided, multiple submitters, no conflicts (2 of 4 stars). 3 submissions from 3 submitters: Uncertain significance (3). Last evaluated 2024-08-23.

Conditions:
Ehlers-Danlos syndrome, classic type, 1 (EDSCL1). Also called: EHLERS-DANLOS SYNDROME, GRAVIS TYPE; EHLERS-DANLOS SYNDROME, SEVERE CLASSIC TYPE; Ehlers-Danlos Syndrome, Classic Type, COL5A1-Related; EDS I; Ehlers-Danlos syndrome, type 1. Identifiers: MedGen C0268335, MONDO:0019567, OMIM 130000.
Familial thoracic aortic aneurysm and aortic dissection (TAAD). Also called: Thoracic aortic aneurysms and dissections. Identifiers: Orphanet 91387, MedGen C4707243, MONDO:0019625.

Allele frequency attached by ClinVar (database versions not stated): TOPMed below 0.00001; gnomAD 0.00001.

Submissions (3):

GeneDx
Classification: Uncertain significance. Last evaluated: 2024-08-23. Review status: criteria provided, single submitter. Criteria: GeneDx Variant Classification Process June 2021. Collection method: clinical testing. Allele origin: germline. Affected: yes.
Comment: Intronic +5 splice site variant in a gene for which loss of function is a known mechanism of disease, and both splice predictors and evolutionary conservation support a deleterious effect, although in the absence of functional evidence the actual effect of this sequence change is unknown.; Not observed at significant frequency in large population cohorts (gnomAD); Has not been previously published as pathogenic or benign to our knowledge

Labcorp Genetics (formerly Invitae), Labcorp
Classification: Uncertain significance for Ehlers-Danlos syndrome, classic type, 1. Last evaluated: 2021-10-21. Review status: criteria provided, single submitter. Criteria: Invitae Variant Classification Sherloc (09022015). Collection method: clinical testing. Allele origin: germline.
Comment: This sequence change falls in intron 8 of the COL5A1 gene. It does not directly change the encoded amino acid sequence of the COL5A1 protein. It affects a nucleotide within the consensus splice site. This variant is present in population databases (no rsID available, gnomAD 0.007%). This variant has not been reported in the literature in individuals affected with COL5A1-related conditions. ClinVar contains an entry for this variant (Variation ID: 365711). Variants that disrupt the consensus splice site are a relatively common cause of aberrant splicing (PMID: 17576681, 9536098). Algorithms developed to predict the effect of sequence changes on RNA splicing suggest that this variant may disrupt the consensus splice site. In summary, the available evidence is currently insufficient to determine the role of this variant in disease. Therefore, it has been classified as a Variant of Uncertain Significance.

Ambry Genetics
Classification: Uncertain significance for Familial thoracic aortic aneurysm and aortic dissection. Last evaluated: 2018-05-17. Review status: criteria provided, single submitter. Criteria: Ambry Variant Classification Scheme 2023. Collection method: clinical testing. Allele origin: germline.
Comment: The c.1332+4dupA intronic variant results from a duplication of one A nucleotide at 4 nucleotides after coding exon 8 of the COL5A1 gene. This nucleotide position is highly conserved in available vertebrate species. Using the BDGP and ESEfinder splice site prediction tools, this alteration is predicted to abolish the native splice donor site; however, direct evidence is unavailable. Since supporting evidence is limited at this time, the clinical significance of this alteration remains unclear.

Literature cited by the submitters: PubMed 17576681 (cited by Labcorp Genetics (formerly Invitae), Labcorp); PubMed 9536098 (cited by Labcorp Genetics (formerly Invitae), Labcorp).

NM_000093.5(COL5A1):c.1332+4dup

Gene: COL5A1 (collagen type V alpha 1 chain; plus strand). Cytogenetic location: 9q34.3.
Variant type: Duplication.
Coding change: c.1332+4dup on transcript NM_000093.5 (MANE Select); 4 bases into the intron after coding-DNA position 1332, one base duplicated (A; older notation c.1332+4dupA).
Molecular consequence: intron variant.
Genome position (GRCh38, 1-based): chr9:134,731,667, A duplicated. VCF-style (leftmost placement, unchanged base first): chr9-134731666-G-GA. GRCh37 (hg19) VCF-style: chr9-137623512-G-GA.
Other names: c.1332+4dup (NM_001278074.1).
Identifiers: ClinVar variation 365711 (VCV000365711.13), dbSNP rs886063674, ClinGen allele CA10629486.